The following is an entry in ClinVar:

ClinVar aggregate classification (germline): Likely pathogenic (1 of 4 stars; one submission).

Conditions:
Developmental and epileptic encephalopathy 89. Identifiers: MedGen C5436853, MONDO:0030856, OMIM 619124.

Submission:

Department of Molecular Genetics, Istishari Arab Hospital
Classification: Likely pathogenic for Developmental and epileptic encephalopathy 89. Last evaluated: 2025-11-17. Review status: criteria provided, single submitter. Criteria: ACMG Guidelines, 2015. Collection method: clinical testing. Allele origin: germline. Inheritance: Autosomal recessive inheritance. Affected: yes.
Comment: The GAD1 variant c.611G>A, p.Trp204* creates a premature stop codon at position 204. This stop-gained (nonsense) variant is predicted to result in a loss or disruption of normal protein function through nonsense-mediated decay (NMD) or protein truncation. This variant is not observed in the gnomAD v4.1.0 dataset and has not been previously described in the literature. It is classified as likely pathogenic (class 2) according to the recommendations of ACMG/AMP/ClinGen SVI guidelines.

NM_000817.3(GAD1):c.611G>A (p.Trp204Ter)

Gene: GAD1 (glutamate decarboxylase 1; plus strand). Cytogenetic location: 2q31.1.
Variant type: single nucleotide variant.
Coding change: c.611G>A on transcript NM_000817.3 (MANE Select); coding-DNA position 611, G replaced by A.
Protein change: p.Trp204Ter; replaces tryptophan 204 with a stop codon.
Molecular consequence: nonsense.
Genome position (GRCh38, 1-based): chr2:170,836,856, G>A. VCF-style: chr2-170836856-G-A. GRCh37 (hg19) VCF-style: chr2-171693366-G-A.
Other names: p.Trp204*; c.611G>A, p.Trp204Ter (NM_013445.4); short protein forms W204*.
Identifiers: ClinVar variation 4528921 (VCV004528921.1).